The following is an entry in ClinVar:

ClinVar aggregate classification (germline): Uncertain significance (1 of 4 stars; one submission).

Conditions:
Fibrous dysplasia of jaw (CRBM). Also called: Cherubism. Identifiers: Orphanet 184, MedGen C0008029, MONDO:0007315, OMIM 118400.

Submission:

Labcorp Genetics (formerly Invitae), Labcorp
Classification: Uncertain significance for Fibrous dysplasia of jaw. Last evaluated: 2023-12-25. Review status: criteria provided, single submitter. Criteria: Invitae Variant Classification Sherloc (09022015). Collection method: clinical testing. Allele origin: germline.
Comment: This sequence change replaces proline, which is neutral and non-polar, with leucine, which is neutral and non-polar, at codon 560 of the SH3BP2 protein (p.Pro560Leu). This variant is not present in population databases (gnomAD no frequency). This variant has not been reported in the literature in individuals affected with SH3BP2-related conditions. Advanced modeling of protein sequence and biophysical properties (such as structural, functional, and spatial information, amino acid conservation, physicochemical variation, residue mobility, and thermodynamic stability) performed at Invitae indicates that this missense variant is not expected to disrupt SH3BP2 protein function with a negative predictive value of 95%. In summary, the available evidence is currently insufficient to determine the role of this variant in disease. Therefore, it has been classified as a Variant of Uncertain Significance.

NM_001122681.2(SH3BP2):c.1679C>T (p.Pro560Leu)

Gene: SH3BP2 (SH3 domain binding protein 2; plus strand). Cytogenetic location: 4p16.3.
Variant type: single nucleotide variant.
Coding change: c.1679C>T on transcript NM_001122681.2 (MANE Select); coding-DNA position 1679, C replaced by T.
Protein change: p.Pro560Leu; replaces proline 560 with leucine.
Molecular consequence: missense variant.
Genome position (GRCh38, 1-based): chr4:2,833,827, C>T. VCF-style: chr4-2833827-C-T. GRCh37 (hg19) VCF-style: chr4-2835554-C-T.
Other names: c.1763C>T, p.Pro588Leu (NM_001145855.2); c.1850C>T, p.Pro617Leu (NM_001145856.2); c.1679C>T, p.Pro560Leu (NM_003023.4); short protein forms P617L, P588L, P560L.
Identifiers: ClinVar variation 2705358 (VCV002705358.3), dbSNP rs1577373982, ClinGen allele CA356059987.